The following is an entry in ClinVar:

ClinVar aggregate classification (germline): Uncertain significance (1 of 4 stars; one submission).

Allele frequency attached by ClinVar (database versions not stated): gnomAD exomes below 0.00001.

Submission:

CeGaT Center for Human Genetics Tuebingen
Classification: Uncertain significance. Last evaluated: 2022-07-01. Review status: criteria provided, single submitter. Criteria: CeGaT Center For Human Genetics Tuebingen Variant Classification Criteria Version 2. Collection method: clinical testing. Allele origin: germline. Affected: yes. Observed: 1 variant allele.
Comment: PPP1R13L: PM2

NM_006663.4(PPP1R13L):c.-21-6_-21-5del

Gene: PPP1R13L (protein phosphatase 1 regulatory subunit 13 like; minus strand). Cytogenetic location: 19q13.32.
Variant type: Deletion.
Coding change: c.-21-6_-21-5del on transcript NM_006663.4 (MANE Select); 6 bases into the intron before 21 bases upstream of the start codon through 5 bases into the intron before 21 bases upstream of the start codon, 2 bases deleted (AT; older notation c.-21-6_-21-5delAT).
Molecular consequence: intron variant.
Genome position (GRCh38, 1-based): chr19:45,398,344-45,398,345, AT deleted on the plus strand (AT on the coding strand, the reverse complement: PPP1R13L is on the minus strand). VCF-style (leftmost placement, unchanged base first): chr19-45398343-CAT-C. GRCh37 (hg19) VCF-style: chr19-45901601-CAT-C.
Other names: c.-21-6_-21-5del (NM_001142502.2).
Identifiers: ClinVar variation 2650109 (VCV002650109.24), dbSNP rs2514097370, ClinGen allele CA2585794238.